The following is an entry in ClinVar:

ClinVar aggregate classification (germline): Uncertain significance (1 of 4 stars; one submission).

Allele frequency attached by ClinVar (database versions not stated): gnomAD exomes 0.00002; TOPMed 0.00002; ESP Exome Variant Server 0.00008; ExAC 0.00012.
gnomAD v4.1: 37 of 1,614,130 alleles (0.0023%); highest among the groups gnomAD compares: Admixed American, 0.05%; 1 homozygote.

Submission:

Labcorp Genetics (formerly Invitae), Labcorp
Classification: Uncertain significance. Last evaluated: 2022-08-22. Review status: criteria provided, single submitter. Criteria: Invitae Variant Classification Sherloc (09022015). Collection method: clinical testing. Allele origin: germline.
Comment: This sequence change replaces leucine, which is neutral and non-polar, with phenylalanine, which is neutral and non-polar, at codon 1135 of the PLEKHG2 protein (p.Leu1135Phe). This variant is present in population databases (rs373244116, gnomAD 0.06%). This variant has not been reported in the literature in individuals affected with PLEKHG2-related conditions. Algorithms developed to predict the effect of missense changes on protein structure and function output the following: SIFT: "Tolerated"; PolyPhen-2: "Possibly Damaging"; Align-GVGD: "Class C0". The phenylalanine amino acid residue is found in multiple mammalian species, which suggests that this missense change does not adversely affect protein function. In summary, the available evidence is currently insufficient to determine the role of this variant in disease. Therefore, it has been classified as a Variant of Uncertain Significance.

NM_022835.3(PLEKHG2):c.3403C>T (p.Leu1135Phe)

Gene: PLEKHG2 (pleckstrin homology and RhoGEF domain containing G2; plus strand). Cytogenetic location: 19q13.2.
Variant type: single nucleotide variant.
Coding change: c.3403C>T on transcript NM_022835.3 (MANE Select); coding-DNA position 3403, C replaced by T.
Protein change: p.Leu1135Phe; replaces leucine 1135 with phenylalanine.
Molecular consequence: missense variant. On other transcripts: intron variant (1).
Genome position (GRCh38, 1-based): chr19:39,424,536, C>T. VCF-style: chr19-39424536-C-T. GRCh37 (hg19) VCF-style: chr19-39915176-C-T.
Other names: c.3226C>T, p.Leu1076Phe (NM_001351693.2); c.1678-702C>T (NM_001351694.2); short protein forms L1076F, L1135F.
Identifiers: ClinVar variation 2168482 (VCV002168482.1), dbSNP rs373244116, ClinGen allele CA9429985.
Genomic context (GRCh38, chr19:39,424,536, plus strand): 5'-CATGGAAGCCACCTGGACCATCGGATCCCAGCCAACGCCCCACTGTCTTTGTCCCAGGAG[C>T]TCCCAGACACTCAGGTTCCAGCTACCACACCTTTGCCCCTGCCACAAGTCCTCACAGACA-3'
Protein context (NP_073746.2, residues 1125-1145): ANAPLSLSQE[Leu1135Phe]PDTQVPATTP